The following is an entry in ClinVar:

NM_003072.5(SMARCA4):c.1158A>G (p.Glu386=)

Gene: SMARCA4 (SWI/SNF related BAF chromatin remodeling complex subunit ATPase 4; plus strand). Cytogenetic location: 19p13.2.
Variant type: single nucleotide variant.
Coding change: c.1158A>G on transcript NM_003072.5 (MANE Select); coding-DNA position 1158, A replaced by G.
Protein change: p.Glu386=; no amino-acid change (glutamic acid 386 retained).
Molecular consequence: synonymous variant. On other transcripts: non-coding transcript variant (1).
Genome position (GRCh38, 1-based): chr19:10,989,356, A>G. VCF-style: chr19-10989356-A-G. GRCh37 (hg19) VCF-style: chr19-11100032-A-G.
Other names: c.1158A>G, p.Glu386= (NM_001128844.3, NM_001128845.2, NM_001128846.2 and 5 more transcripts).
Identifiers: ClinVar variation 1078674 (VCV001078674.13), dbSNP rs1268876800, ClinGen allele CA505489881.

ClinVar aggregate classification (germline): Conflicting classifications of pathogenicity. Review status: criteria provided, conflicting classifications (1 of 4 stars). 4 submissions from 4 submitters: Uncertain significance (1); Benign (1); Likely benign (2). Last evaluated 2026-07-09.

Conditions:
Hereditary cancer-predisposing syndrome. Also called: Hereditary Cancer Syndrome; Hereditary neoplastic syndrome; Neoplastic Syndromes, Hereditary; Tumor predisposition. Identifiers: Orphanet 140162, MedGen C0027672, MeSH D009386, MONDO:0015356.
Rhabdoid tumor predisposition syndrome 2 (RTPS2). Identifiers: Orphanet 231108, Orphanet 69077, MedGen C2750074, MONDO:0013224, OMIM 613325.

Allele frequency attached by ClinVar (database versions not stated): gnomAD exomes below 0.00001; TOPMed 0.00001; gnomAD 0.00001.
gnomAD v4.1: 4 of 1,614,026 alleles (0.00025%); highest among the groups gnomAD compares: African/African-American, 0.0013%; no homozygotes.

Submissions (4):

Myriad Genetics, Inc.
Classification: Benign for Rhabdoid tumor predisposition syndrome 2. Last evaluated: 2026-07-09. Review status: criteria provided, single submitter. Criteria: Myriad Autosomal Dominant, Autosomal Recessive and X-Linked Classification Criteria (2023). Collection method: clinical testing. Allele origin: unknown.
Comment: This variant is considered benign. This variant is a silent/synonymous amino acid change and it is not expected to impact splicing.

Labcorp Genetics (formerly Invitae), Labcorp
Classification: Likely benign for Rhabdoid tumor predisposition syndrome 2. Last evaluated: 2025-11-21. Review status: criteria provided, single submitter. Criteria: Invitae Variant Classification Sherloc (09022015). Collection method: clinical testing. Allele origin: germline.

Sema4
Classification: Uncertain significance for Hereditary cancer-predisposing syndrome. Last evaluated: 2021-07-09. Review status: criteria provided, single submitter. Criteria: Sema4 Curation Guidelines. Collection method: curation. Allele origin: germline.
Comment: The SMARCA4 c.1158A>G (p.E386=) variant has not been reported in the literature to our knowledge. It was not observed in the large and broad cohorts of the Genome Aggregation Database (PMID: 32461654). The variant has been reported in ClinVar (Variation ID 1078674). The nucleotide at this position is conserved and in silico tools suggest the impact of the variant on splicing is benign, though these predictions have not been confirmed by functional studies. The evidence is insufficient to meet ACMG/AMP criteria for classifying the variant as benign or pathogenic. Thus, the clinical significance of this variant is currently uncertain.

Ambry Genetics
Classification: Likely benign for Hereditary cancer-predisposing syndrome. Last evaluated: 2020-03-31. Review status: criteria provided, single submitter. Criteria: Ambry Variant Classification Scheme 2023. Collection method: clinical testing. Allele origin: germline.